The following is an entry in ClinVar:

NM_022772.4(EPS8L2):c.920G>A (p.Arg307Gln)

Gene: EPS8L2 (EPS8 signaling adaptor L2; plus strand). Cytogenetic location: 11p15.5.
Variant type: single nucleotide variant.
Coding change: c.920G>A on transcript NM_022772.4 (MANE Select); coding-DNA position 920, G replaced by A.
Protein change: p.Arg307Gln; replaces arginine 307 with glutamine.
Molecular consequence: missense variant.
Genome position (GRCh38, 1-based): chr11:721,927, G>A. VCF-style: chr11-721927-G-A. GRCh37 (hg19) VCF-style: chr11-721927-G-A.
Other names: short protein forms R307Q.
Identifiers: ClinVar variation 1354577 (VCV001354577.6), dbSNP rs761604917, ClinGen allele CA5787377.
Genomic context (GRCh38, chr11:721,927, plus strand): 5'-GGGCCAGCCTGGCTCACGCGGTGCCTCCCATGCCAGAGGGCGTCCTCACACTGCGGGCAC[G>A]GCCCCCCTCTGAGGGCGAGTTCATCGACTGCTTCCAGAAAATCAAGCTGGCGATTAACTT-3'
Protein context (NP_073609.2, residues 297-317): PAEGVLTLRA[Arg307Gln]PPSEGEFIDC

ClinVar aggregate classification (germline): Uncertain significance (1 of 4 stars; one submission).

Allele frequency attached by ClinVar (database versions not stated): ExAC 0.00004.
gnomAD v4.1: 19 of 1,595,690 alleles (0.0012%); highest among the groups gnomAD compares: Admixed American, 0.012%; no homozygotes.

Submission:

Labcorp Genetics (formerly Invitae), Labcorp
Classification: Uncertain significance. Last evaluated: 2023-10-03. Review status: criteria provided, single submitter. Criteria: Invitae Variant Classification Sherloc (09022015). Collection method: clinical testing. Allele origin: germline.
Comment: This sequence change replaces arginine, which is basic and polar, with glutamine, which is neutral and polar, at codon 307 of the EPS8L2 protein (p.Arg307Gln). The frequency data for this variant in the population databases is considered unreliable, as metrics indicate poor data quality at this position in the gnomAD database. This variant has not been reported in the literature in individuals affected with EPS8L2-related conditions. ClinVar contains an entry for this variant (Variation ID: 1354577). An algorithm developed to predict the effect of missense changes on protein structure and function (PolyPhen-2) suggests that this variant¬†is likely to be tolerated. In summary, the available evidence is currently insufficient to determine the role of this variant in disease. Therefore, it has been classified as a Variant of Uncertain Significance.